The following is an entry in ClinVar:

ClinVar aggregate classification (germline): Uncertain significance (1 of 4 stars; one submission).

gnomAD v4.1: 9 of 1,550,398 alleles (0.00058%); highest among the groups gnomAD compares: East Asian, 0.0023%; 1 homozygote.

Submission:

Labcorp Genetics (formerly Invitae), Labcorp
Classification: Uncertain significance. Last evaluated: 2025-10-11. Review status: criteria provided, single submitter. Criteria: Invitae Variant Classification Sherloc (09022015). Collection method: clinical testing. Allele origin: germline.
Comment: This sequence change falls in intron 8 of the DSG1 gene. It does not directly change the encoded amino acid sequence of the DSG1 protein. It affects a nucleotide within the consensus splice site. This variant is not present in population databases (gnomAD no frequency). This variant has not been reported in the literature in individuals affected with DSG1-related conditions. Variants that disrupt the consensus splice site are a relatively common cause of aberrant splicing (PMID: 17576681, 9536098). Algorithms developed to predict the effect of sequence changes on RNA splicing suggest that this variant is not likely to affect RNA splicing. In summary, the available evidence is currently insufficient to determine the role of this variant in disease. Therefore, it has been classified as a Variant of Uncertain Significance.

Literature cited by the submitters: PubMed 17576681; PubMed 9536098.

NM_001942.4(DSG1):c.1005+4T>G

Gene: DSG1 (desmoglein 1; plus strand). Cytogenetic location: 18q12.1.
Variant type: single nucleotide variant.
Coding change: c.1005+4T>G on transcript NM_001942.4 (MANE Select); 4 bases into the intron after coding-DNA position 1005, T replaced by G.
Molecular consequence: intron variant.
Genome position (GRCh38, 1-based): chr18:31,334,206, T>G. VCF-style: chr18-31334206-T-G. GRCh37 (hg19) VCF-style: chr18-28914169-T-G.
Identifiers: ClinVar variation 4752560 (VCV004752560.1).